The following is an entry in ClinVar:

NM_194454.3(KRIT1):c.1868G>A (p.Arg623His)

Gene: KRIT1 (KRIT1 ankyrin repeat containing; minus strand). Cytogenetic location: 7q21.2.
Variant type: single nucleotide variant.
Coding change: c.1868G>A on transcript NM_194454.3 (MANE Select); coding-DNA position 1868, G replaced by A.
Protein change: p.Arg623His; replaces arginine 623 with histidine.
Molecular consequence: missense variant.
Genome position (GRCh38, 1-based): chr7:92,213,352, C>T on the plus strand (G>A on the coding strand, the complement: KRIT1 is on the minus strand). VCF-style: chr7-92213352-C-T. GRCh37 (hg19) VCF-style: chr7-91842666-C-T.
Other names: c.1868G>A, p.Arg623His (NM_194456.1, NM_001350672.1, NM_001350673.1 and 26 more transcripts); c.1724G>A, p.Arg575His (NM_001013406.2, NM_001350669.1, NM_001350670.1); c.1154G>A, p.Arg385His (NM_001350671.1); short protein forms R385H, R575H, R623H.
Identifiers: ClinVar variation 995332 (VCV000995332.9), dbSNP rs143644029, ClinGen allele CA4339005.

ClinVar aggregate classification (germline): Conflicting classifications of pathogenicity. Review status: criteria provided, conflicting classifications (1 of 4 stars). 5 submissions from 5 submitters: Uncertain significance (3); Likely benign (2). Last evaluated 2025-11-25.

Conditions:
Cerebral cavernous malformation (CCM). Also called: Cerebral cavernous hemangioma (type); Cerebral cavernous malformations; CAVERNOUS ANGIOMA, FAMILIAL; CAVERNOUS ANGIOMATOUS MALFORMATIONS; CEREBRAL CAPILLARY MALFORMATIONS; Cavernous Hemangioma of Brain. Identifiers: Orphanet 221061, MedGen C2919945, MONDO:0000820, OMIM 116860, HP:0033522.
Inborn genetic diseases. Identifiers: MedGen C0950123, MeSH D030342.

Allele frequency attached by ClinVar (database versions not stated): ExAC 0.00006; gnomAD exomes 0.00008; gnomAD 0.00011 and 0.00012; TOPMed 0.00014; ESP Exome Variant Server 0.00015; 1000 Genomes Project 0.00040; 1000 Genomes Project 30x 0.00047.
gnomAD v4.1: 61 of 1,613,316 alleles (0.0038%); highest among the groups gnomAD compares: East Asian, 0.042%; no homozygotes.

Submissions (5):

Women's Health and Genetics/Laboratory Corporation of America, LabCorp
Classification: Uncertain significance. Last evaluated: 2025-11-25. Review status: criteria provided, single submitter. Criteria: LabCorp Variant Classification Summary - May 2015. Collection method: clinical testing. Allele origin: germline.
Comment: Variant summary: KRIT1 c.1868G>A (p.Arg623His) results in a non-conservative amino acid change in the encoded protein sequence. Algorithms developed to predict the effect of missense changes on protein structure and function are either unavailable or do not agree on the potential impact of this missense change. The variant allele was found at a frequency of 8e-05 in 251212 control chromosomes. This frequency is not significantly higher than estimated for disease-causing variants in KRIT1, allowing no conclusion about variant significance. To our knowledge, no occurrence of c.1868G>A in individuals affected with KRIT1-related conditions and no experimental evidence demonstrating its impact on protein function have been reported. ClinVar contains an entry for this variant (Variation ID: 995332). Based on the evidence outlined above, the variant was classified as uncertain significance.

Labcorp Genetics (formerly Invitae), Labcorp
Classification: Uncertain significance for Cerebral cavernous malformation. Last evaluated: 2024-04-22. Review status: criteria provided, single submitter. Criteria: Invitae Variant Classification Sherloc (09022015). Collection method: clinical testing. Allele origin: germline.
Comment: This sequence change replaces arginine, which is basic and polar, with histidine, which is basic and polar, at codon 623 of the KRIT1 protein (p.Arg623His). This variant is present in population databases (rs143644029, gnomAD 0.05%), and has an allele count higher than expected for a pathogenic variant. This variant has not been reported in the literature in individuals affected with KRIT1-related conditions. ClinVar contains an entry for this variant (Variation ID: 995332). Advanced modeling of protein sequence and biophysical properties (such as structural, functional, and spatial information, amino acid conservation, physicochemical variation, residue mobility, and thermodynamic stability) performed at Invitae indicates that this missense variant is not expected to disrupt KRIT1 protein function with a negative predictive value of 80%. In summary, the available evidence is currently insufficient to determine the role of this variant in disease. Therefore, it has been classified as a Variant of Uncertain Significance.

Ambry Genetics
Classification: Likely benign for Inborn genetic diseases. Last evaluated: 2023-10-05. Review status: criteria provided, single submitter. Criteria: Ambry Variant Classification Scheme 2023. Collection method: clinical testing. Allele origin: germline.

GeneDx
Classification: Uncertain significance. Last evaluated: 2020-12-14. Review status: criteria provided, single submitter. Criteria: GeneDx Variant Classification Process June 2021. Collection method: clinical testing. Allele origin: germline. Affected: yes.
Comment: In silico analysis supports that this missense variant does not alter protein structure/function; Has not been previously published as pathogenic or benign to our knowledge

Athena Diagnostics
Classification: Likely benign. Last evaluated: 2020-01-21. Review status: criteria provided, single submitter. Criteria: Athena Diagnostics Criteria. Collection method: clinical testing. Allele origin: unknown.